The following is an entry in ClinVar:

NC_000003.12:g.169764696G>A

Genes: TERC (telomerase RNA component; minus strand), LOC110806306 (telomerase RNA component (TERC) promoter; plus strand). Cytogenetic location: 3q26.2.
Variant type: single nucleotide variant.
Genome position: GRCh38 VCF-style: chr3-169764696-G-A. GRCh37 (hg19) VCF-style: chr3-169482484-G-A.
Identifiers: ClinVar variation 2806781 (VCV002806781.3), dbSNP rs1281896655, ClinGen allele CA436714933.

ClinVar aggregate classification (germline): Uncertain significance (1 of 4 stars; one submission).

Conditions:
Dyskeratosis congenita, autosomal dominant 1 (DKCA1). Also called: Dyskeratosis congenita Scoggins type. Identifiers: Orphanet 1775, MedGen C4551974, MONDO:0007485, OMIM 127550. Inheritance: Variable.

Allele frequency attached by ClinVar (database versions not stated): gnomAD exomes below 0.00001; TOPMed below 0.00001; gnomAD 0.00001.
gnomAD v4.1: 2 of 760,206 alleles (0.00026%); highest among the groups gnomAD compares: Non-Finnish European, 0.00048%; no homozygotes.

Submission:

Labcorp Genetics (formerly Invitae), Labcorp
Classification: Uncertain significance for Dyskeratosis congenita, autosomal dominant 1. Last evaluated: 2023-10-23. Review status: criteria provided, single submitter. Criteria: Invitae Variant Classification Sherloc (09022015). Collection method: clinical testing. Allele origin: germline.
Comment: This variant occurs in the TERC gene, which encodes an RNA molecule that does not result in a protein product. This variant is not present in population databases (gnomAD no frequency). This variant has not been reported in the literature in individuals affected with TERC-related conditions. This variant is located within the BoxH/ACA scaRNA domain of the TERC RNA component, which is required for telomerase activity (PMID: 21844345). In summary, the available evidence is currently insufficient to determine the role of this variant in disease. Therefore, it has been classified as a Variant of Uncertain Significance.

Literature cited by the submitters: PubMed 21844345.